The following is an entry in ClinVar:

NM_182760.4(SUMF1):c.767A>G (p.His256Arg)

Gene: SUMF1 (sulfatase modifying factor 1; minus strand). Cytogenetic location: 3p26.1.
Variant type: single nucleotide variant.
Coding change: c.767A>G on transcript NM_182760.4 (MANE Select); coding-DNA position 767, A replaced by G.
Protein change: p.His256Arg; replaces histidine 256 with arginine.
Molecular consequence: missense variant.
Genome position (GRCh38, 1-based): chr3:4,417,201, T>C on the plus strand (A>G on the coding strand, the complement: SUMF1 is on the minus strand). VCF-style: chr3-4417201-T-C. GRCh37 (hg19) VCF-style: chr3-4458885-T-C.
Other names: c.692A>G, p.His231Arg (NM_001164674.2); c.767A>G, p.His256Arg (NM_001164675.2); short protein forms H231R, H256R.
Identifiers: ClinVar variation 2174436 (VCV002174436.1), dbSNP rs377405492, ClinGen allele CA2230464.

ClinVar aggregate classification (germline): Uncertain significance (1 of 4 stars; one submission).

Conditions:
Multiple sulfatase deficiency (MSD). Also called: Multiple Sulfatase Deficiency Disease; Sulfatidosis, Juvenile, Austin Type; Mucosulfatidosis. Identifiers: Orphanet 585, MedGen C0268263, MONDO:0010088, OMIM 272200.

Allele frequency attached by ClinVar (database versions not stated): ExAC 0.00001; gnomAD 0.00001; TOPMed 0.00001; ESP Exome Variant Server 0.00008.
gnomAD v4.1: 1 of 1,613,908 alleles (0.000062%); highest among the groups gnomAD compares: African/African-American, 0.0013%; no homozygotes.

Submission:

Labcorp Genetics (formerly Invitae), Labcorp
Classification: Uncertain significance for Multiple sulfatase deficiency. Last evaluated: 2022-04-21. Review status: criteria provided, single submitter. Criteria: Invitae Variant Classification Sherloc (09022015). Collection method: clinical testing. Allele origin: germline.
Comment: This sequence change replaces histidine, which is basic and polar, with arginine, which is basic and polar, at codon 256 of the SUMF1 protein (p.His256Arg). This variant is present in population databases (rs377405492, gnomAD 0.007%). This variant has not been reported in the literature in individuals affected with SUMF1-related conditions. Algorithms developed to predict the effect of missense changes on protein structure and function (SIFT, PolyPhen-2, Align-GVGD) all suggest that this variant is likely to be disruptive. In summary, the available evidence is currently insufficient to determine the role of this variant in disease. Therefore, it has been classified as a Variant of Uncertain Significance.